The following is an entry in ClinVar:

ClinVar aggregate classification (germline): Pathogenic/Likely pathogenic. Review status: criteria provided, multiple submitters, no conflicts (2 of 4 stars). 2 submissions from 2 submitters: Pathogenic (1); Likely pathogenic (1). Last evaluated 2025-08-18.

Conditions:
Autosomal recessive limb-girdle muscular dystrophy type 2L (LGMDR12). Also called: MUSCULAR DYSTROPHY, LIMB-GIRDLE, AUTOSOMAL RECESSIVE 12; Limb-Girdle Muscular Dystrophy R12 Anoctamin-5-Related (LGMD-R12); Limb-girdle muscular dystrophy, type 2L. Identifiers: Orphanet 206549, MedGen C1969785, MONDO:0012652, OMIM 611307.
Gnathodiaphyseal dysplasia (GDD). Also called: GNATHODIAPHYSEAL SCLEROSIS; OSTEOGENESIS IMPERFECTA WITH UNUSUAL SKELETAL LESIONS. Identifiers: Orphanet 53697, MedGen C1833736, MONDO:0008151, OMIM 166260.
Miyoshi muscular dystrophy 3 (MMD3). Also called: Miyoshi Muscular Dystrophy 3 (MMD3); Miyoshi myopathy 3. Identifiers: Orphanet 399096, MedGen C2750076, MONDO:0013222, OMIM 613319.

gnomAD v4.1: 1 of 1,611,920 alleles (0.000062%); highest among the groups gnomAD compares: Admixed American, 0.0017%; no homozygotes.

Submissions (2):

Labcorp Genetics (formerly Invitae), Labcorp
Classification: Pathogenic for Autosomal recessive limb-girdle muscular dystrophy type 2L; Gnathodiaphyseal dysplasia. Last evaluated: 2025-08-18. Review status: criteria provided, single submitter. Criteria: Invitae Variant Classification Sherloc (09022015). Collection method: clinical testing. Allele origin: germline.
Comment: This sequence change creates a premature translational stop signal (p.Tyr282*) in the ANO5 gene. It is expected to result in an absent or disrupted protein product. Loss-of-function variants in ANO5 are known to be pathogenic (PMID: 21186264, 23606453, 25891276, 30919934). This variant is not present in population databases (gnomAD no frequency). This variant has not been reported in the literature in individuals affected with ANO5-related conditions. ClinVar contains an entry for this variant (Variation ID: 3599493). For these reasons, this variant has been classified as Pathogenic.

Fulgent Genetics
Classification: Likely pathogenic for Gnathodiaphyseal dysplasia; Autosomal recessive limb-girdle muscular dystrophy type 2L; Miyoshi muscular dystrophy 3. Last evaluated: 2023-12-29. Review status: criteria provided, single submitter. Criteria: ACMG Guidelines, 2015. Collection method: clinical testing. Allele origin: germline.

Literature cited by the submitters: PubMed 21186264 (cited by Labcorp Genetics (formerly Invitae), Labcorp); PubMed 23606453 (cited by Labcorp Genetics (formerly Invitae), Labcorp); PubMed 25891276 (cited by Labcorp Genetics (formerly Invitae), Labcorp); PubMed 30919934 (cited by Labcorp Genetics (formerly Invitae), Labcorp).

NM_213599.3(ANO5):c.846T>G (p.Tyr282Ter)

Gene: ANO5 (anoctamin 5; plus strand). Cytogenetic location: 11p14.3.
Variant type: single nucleotide variant.
Coding change: c.846T>G on transcript NM_213599.3 (MANE Select); coding-DNA position 846, T replaced by G.
Protein change: p.Tyr282Ter; replaces tyrosine 282 with a stop codon.
Molecular consequence: nonsense.
Genome position (GRCh38, 1-based): chr11:22,239,652, T>G. VCF-style: chr11-22239652-T-G. GRCh37 (hg19) VCF-style: chr11-22261198-T-G.
Other names: c.843T>G, p.Tyr281Ter (NM_001142649.2); c.804T>G, p.Tyr268Ter (NM_001410963.1); c.801T>G, p.Tyr267Ter (NM_001410964.1); short protein forms Y282*, Y281*, Y267*, Y268*.
Identifiers: ClinVar variation 3599493 (VCV003599493.3).